The following is an entry in ClinVar:

ClinVar aggregate classification (germline): Benign. Review status: criteria provided, multiple submitters, no conflicts (2 of 4 stars). 4 submissions from 4 submitters: Benign (4). Last evaluated 2026-01-28.

Conditions:
Methylmalonic aciduria and homocystinuria type cblF. Also called: COBALAMIN F DISEASE; COBALAMIN, DEFECT IN LYSOSOMAL RELEASE OF; METHYLMALONIC ACIDEMIA AND HOMOCYSTINURIA, cblF TYPE; METHYLMALONIC ACIDURIA DUE TO VITAMIN B12-RELEASE DEFECT; VITAMIN B12 LYSOSOMAL RELEASE DEFECT; VITAMIN B12 STORAGE DISEASE. Identifiers: Orphanet 79284, MedGen C1848578, MONDO:0010183, OMIM 277380.

Allele frequency attached by ClinVar (database versions not stated): gnomAD exomes 0.00068 and 0.00204; gnomAD 0.00092 and 0.00114; TOPMed 0.00171; ExAC 0.00297; 1000 Genomes Project 30x 0.00515; 1000 Genomes Project 0.00539.
gnomAD v4.1: 1,091 of 1,490,656 alleles (0.073%); highest among the groups gnomAD compares: East Asian, 2%; 11 homozygotes.

Submissions (4):

Labcorp Genetics (formerly Invitae), Labcorp
Classification: Benign for Methylmalonic aciduria and homocystinuria type cblF. Last evaluated: 2026-01-28. Review status: criteria provided, single submitter. Criteria: Invitae Variant Classification Sherloc (09022015). Collection method: clinical testing. Allele origin: germline.

Mayo Clinic Laboratories, Mayo Clinic
Classification: Benign. Last evaluated: 2024-10-15. Review status: criteria provided, single submitter. Criteria: ACMG Guidelines, 2015. Collection method: clinical testing. Allele origin: germline. Observed: 1 variant allele.
Comment: BA1

Illumina Laboratory Services, Illumina
Classification: Benign for Methylmalonic aciduria and homocystinuria type cblF. Last evaluated: 2018-01-12. Review status: criteria provided, single submitter. Criteria: ICSL Variant Classification Criteria 13 December 2019. Collection method: clinical testing. Allele origin: germline.
Comment: This variant was observed in the ICSL laboratory as part of a predisposition screen in an ostensibly healthy population. It had not been previously curated by ICSL or reported in the Human Gene Mutation Database (HGMD: prior to June 1st, 2018), and was therefore a candidate for classification through an automated scoring system. Utilizing variant allele frequency, disease prevalence and penetrance estimates, and inheritance mode, an automated score was calculated to assess if this variant is too frequent to cause the disease. Based on the score and internal cut-off values, a variant classified as benign is not then subjected to further curation. The score for this variant resulted in a classification of benign for this disease.

GeneDx
Classification: Benign. Last evaluated: 2017-07-20. Review status: criteria provided, single submitter. Criteria: GeneDx Variant Classification (06012015). Collection method: clinical testing. Allele origin: germline. Affected: yes.
Comment: This variant is considered likely benign or benign based on one or more of the following criteria: it is a conservative change, it occurs at a poorly conserved position in the protein, it is predicted to be benign by multiple in silico algorithms, and/or has population frequency not consistent with disease.

NM_018368.4(LMBRD1):c.981-11A>T

Gene: LMBRD1 (LMBR1 domain containing 1; minus strand). Cytogenetic location: 6q13.
Variant type: single nucleotide variant.
Coding change: c.981-11A>T on transcript NM_018368.4 (MANE Select); 11 bases into the intron before coding-DNA position 981, A replaced by T.
Molecular consequence: intron variant.
Genome position (GRCh38, 1-based): chr6:69,701,556, T>A on the plus strand (A>T on the coding strand, the complement: LMBRD1 is on the minus strand). VCF-style: chr6-69701556-T-A. GRCh37 (hg19) VCF-style: chr6-70411448-T-A.
Other names: p.?; c.762-11A>T (NM_001367272.1, NM_001367271.1, NM_001363722.2).
Identifiers: ClinVar variation 357771 (VCV000357771.13), dbSNP rs75847296, ClinGen allele CA3879711.
Genomic context (GRCh38, chr6:69,701,556, plus strand): 5'-AAATTATGAAACCAGAATCTATTCCAGCTGAATGAAGAGCTTTATCTAAACTAAAAAAAA[T>A]TACAAAGAATGAAATTTATGTTATACTATCAAATTTTCAGCAAATTTAGAAAAAATATAA-3'